The following is an entry in ClinVar:

ClinVar aggregate classification (germline): Uncertain significance (1 of 4 stars; one submission).

Allele frequency attached by ClinVar (database versions not stated): gnomAD 0.00001; TOPMed 0.00001.
gnomAD v4.1: 5 of 1,614,032 alleles (0.00031%); highest among the groups gnomAD compares: Non-Finnish European, 0.00042%; no homozygotes.

Submission:

Labcorp Genetics (formerly Invitae), Labcorp
Classification: Uncertain significance. Last evaluated: 2025-03-17. Review status: criteria provided, single submitter. Criteria: Invitae Variant Classification Sherloc (09022015). Collection method: clinical testing. Allele origin: germline.
Comment: This sequence change replaces asparagine, which is neutral and polar, with lysine, which is basic and polar, at codon 2987 of the LRP2 protein (p.Asn2987Lys). This variant is present in population databases (rs758450272, gnomAD 0.0009%). This variant has not been reported in the literature in individuals affected with LRP2-related conditions. ClinVar contains an entry for this variant (Variation ID: 2186333). An algorithm developed to predict the effect of missense changes on protein structure and function (PolyPhen-2) suggests that this variant is likely to be disruptive. In summary, the available evidence is currently insufficient to determine the role of this variant in disease. Therefore, it has been classified as a Variant of Uncertain Significance.

NM_004525.3(LRP2):c.8961T>G (p.Asn2987Lys)

Gene: LRP2 (LDL receptor related protein 2; minus strand). Cytogenetic location: 2q31.1.
Variant type: single nucleotide variant.
Coding change: c.8961T>G on transcript NM_004525.3 (MANE Select); coding-DNA position 8961, T replaced by G.
Protein change: p.Asn2987Lys; replaces asparagine 2987 with lysine.
Molecular consequence: missense variant.
Genome position (GRCh38, 1-based): chr2:169,191,903, A>C on the plus strand (T>G on the coding strand, the complement: LRP2 is on the minus strand). VCF-style: chr2-169191903-A-C. GRCh37 (hg19) VCF-style: chr2-170048413-A-C.
Other names: short protein forms N2987K.
Identifiers: ClinVar variation 2186333 (VCV002186333.2), dbSNP rs758450272, ClinGen allele CA1953708.